The following is an entry in ClinVar:

ClinVar aggregate classification (germline): Uncertain significance. Review status: criteria provided, multiple submitters, no conflicts (2 of 4 stars). 2 submissions from 2 submitters: Uncertain significance (2). Last evaluated 2026-01-16.

Conditions:
DICER1-related tumor predisposition. Also called: DICER1 syndrome; DICER1-related pleuropulmonary blastoma cancer predisposition syndrome. Identifiers: Orphanet 284343, MedGen C3839822, MONDO:0100216.
Hereditary cancer-predisposing syndrome. Also called: Hereditary neoplastic syndrome; Tumor predisposition; Hereditary Cancer Syndrome; Neoplastic Syndromes, Hereditary. Identifiers: Orphanet 140162, MedGen C0027672, MeSH D009386, MONDO:0015356.

Allele frequency attached by ClinVar (database versions not stated): gnomAD exomes below 0.00001.
gnomAD v4.1: 6 of 1,614,110 alleles (0.00037%); highest among the groups gnomAD compares: Non-Finnish European, 0.00042%; no homozygotes.

Submissions (2):

Labcorp Genetics (formerly Invitae), Labcorp
Classification: Uncertain significance for DICER1-related tumor predisposition. Last evaluated: 2026-01-16. Review status: criteria provided, single submitter. Criteria: Invitae Variant Classification Sherloc (09022015). Collection method: clinical testing. Allele origin: germline.
Comment: This sequence change replaces arginine, which is basic and polar, with lysine, which is basic and polar, at codon 789 of the DICER1 protein (p.Arg789Lys). This variant is not present in population databases (gnomAD no frequency). This variant has not been reported in the literature in individuals affected with DICER1-related conditions. ClinVar contains an entry for this variant (Variation ID: 580069). Invitae Evidence Modeling of protein sequence and biophysical properties (such as structural, functional, and spatial information, amino acid conservation, physicochemical variation, residue mobility, and thermodynamic stability) indicates that this missense variant is not expected to disrupt DICER1 protein function with a negative predictive value of 95%. In summary, the available evidence is currently insufficient to determine the role of this variant in disease. Therefore, it has been classified as a Variant of Uncertain Significance.

Ambry Genetics
Classification: Uncertain significance for Hereditary cancer-predisposing syndrome. Last evaluated: 2025-10-08. Review status: criteria provided, single submitter. Criteria: Ambry Variant Classification Scheme 2023. Collection method: clinical testing. Allele origin: germline.
Comment: The p.R789K variant (also known as c.2366G>A), located in coding exon 14 of the DICER1 gene, results from a G to A substitution at nucleotide position 2366. The arginine at codon 789 is replaced by lysine, an amino acid with highly similar properties. This amino acid position is highly conserved in available vertebrate species. In addition, the in silico prediction for this alteration is inconclusive. Based on the available evidence, the clinical significance of this variant remains unclear.

NM_177438.3(DICER1):c.2366G>A (p.Arg789Lys)

Gene: DICER1 (dicer 1, ribonuclease III; minus strand). Cytogenetic location: 14q32.13.
Variant type: single nucleotide variant.
Coding change: c.2366G>A on transcript NM_177438.3 (MANE Select); coding-DNA position 2366, G replaced by A.
Protein change: p.Arg789Lys; replaces arginine 789 with lysine.
Molecular consequence: missense variant.
Genome position (GRCh38, 1-based): chr14:95,108,394, C>T on the plus strand (G>A on the coding strand, the complement: DICER1 is on the minus strand). VCF-style: chr14-95108394-C-T. GRCh37 (hg19) VCF-style: chr14-95574731-C-T.
Other names: c.2366G>A, p.Arg789Lys (NM_001195573.1, NM_001271282.3, NM_001291628.2 and 1 more transcripts); short protein forms R789K.
Identifiers: ClinVar variation 580069 (VCV000580069.11), dbSNP rs1566777906, ClinGen allele CA390882197.